The following is an entry in ClinVar:

ClinVar aggregate classification (germline): Pathogenic (1 of 4 stars; one submission).

Conditions:
Familial adenomatous polyposis 1 (FAP1). Also called: FAMILIAL ADENOMATOUS POLYPOSIS 1, ATTENUATED; POLYPOSIS, ADENOMATOUS INTESTINAL. Identifiers: MedGen C2713442, MONDO:0021056, OMIM 175100. Disease mechanism: loss of function.

Submission:

Myriad Genetics, Inc.
Classification: Pathogenic for Familial adenomatous polyposis 1. Last evaluated: 2023-05-08. Review status: criteria provided, single submitter. Criteria: Myriad Autosomal Dominant, Autosomal Recessive and X-Linked Classification Criteria (2023). Collection method: clinical testing. Allele origin: unknown.
Comment: This variant is considered pathogenic. This variant creates a termination codon and is predicted to result in premature protein truncation.

NM_000038.6(APC):c.3199delinsGTCT (p.Gln1067delinsValTer)

Gene: APC (APC regulator of Wnt signaling pathway; plus strand). Cytogenetic location: 5q22.2.
Variant type: Indel.
Coding change: c.3199delinsGTCT on transcript NM_000038.6 (MANE Select); coding-DNA position 3199, C replaced by GTCT.
Protein change: p.Gln1067delinsValTer.
Molecular consequence: nonsense. On other transcripts: non-coding transcript variant (2).
Genome position (GRCh38, 1-based): chr5:112,838,793, C replaced by GTCT. VCF-style: chr5-112838793-C-GTCT. GRCh37 (hg19) VCF-style: chr5-112174490-C-GTCT.
Other names: c.3199delinsGTCT, p.Gln1067delinsValTer (NM_001127510.3, NM_001354895.2, NM_001407450.1); c.3145delinsGTCT, p.Gln1049delinsValTer (NM_001127511.3); c.3253delinsGTCT, p.Gln1085delinsValTer (NM_001354896.2, NM_001407447.1, NM_001407448.1 and 1 more transcripts); c.3229delinsGTCT, p.Gln1077delinsValTer (NM_001354897.2); c.3124delinsGTCT, p.Gln1042delinsValTer (NM_001354898.2); c.3115delinsGTCT, p.Gln1039delinsValTer (NM_001354899.2); c.3076delinsGTCT, p.Gln1026delinsValTer (NM_001354900.2); c.3022delinsGTCT, p.Gln1008delinsValTer (NM_001354901.2, NM_001407453.1); and 11 more.
Identifiers: ClinVar variation 2584148 (VCV002584148.2), dbSNP rs2533479082, ClinGen allele CA2582341494.